The following is an entry in ClinVar:

NM_015570.4(AUTS2):c.3167C>A (p.Pro1056Gln)

Gene: AUTS2 (activator of transcription and developmental regulator AUTS2; plus strand). Cytogenetic location: 7q11.22.
Variant type: single nucleotide variant.
Coding change: c.3167C>A on transcript NM_015570.4 (MANE Select); coding-DNA position 3167, C replaced by A.
Protein change: p.Pro1056Gln; replaces proline 1056 with glutamine.
Molecular consequence: missense variant.
Genome position (GRCh38, 1-based): chr7:70,790,383, C>A. VCF-style: chr7-70790383-C-A. GRCh37 (hg19) VCF-style: chr7-70255369-C-A.
Other names: c.3095C>A, p.Pro1032Gln (NM_001127231.3); short protein forms P1032Q, P1056Q.
Identifiers: ClinVar variation 4528114 (VCV004528114.1).

ClinVar aggregate classification (germline): Uncertain significance (1 of 4 stars; one submission).

Submission:

GeneDx
Classification: Uncertain significance. Last evaluated: 2025-05-06. Review status: criteria provided, single submitter. Criteria: GeneDx Variant Classification Process June 2021. Collection method: clinical testing. Allele origin: germline. Affected: yes.
Comment: Not observed at significant frequency in large population cohorts (gnomAD); In silico analysis supports that this missense variant has a deleterious effect on protein structure/function; Has not been previously published as pathogenic or benign to our knowledge